The following is an entry in ClinVar:

ClinVar aggregate classification (germline): Uncertain significance (1 of 4 stars; one submission).

Submission:

Ambry Genetics
Classification: Uncertain significance. Last evaluated: 2024-03-21. Review status: criteria provided, single submitter. Criteria: Ambry Variant Classification Scheme 2023. Collection method: clinical testing. Allele origin: germline.
Comment: The p.T612I variant (also known as c.1835C>T), located in coding exon 12 of the POLQ gene, results from a C to T substitution at nucleotide position 1835. The threonine at codon 612 is replaced by isoleucine, an amino acid with similar properties. This amino acid position is conserved. In addition, this alteration is predicted to be deleterious by in silico analysis. Based on the available evidence, the clinical significance of this alteration remains unclear.

NM_199420.4(POLQ):c.1835C>T (p.Thr612Ile)

Gene: POLQ (DNA polymerase theta; minus strand). Cytogenetic location: 3q13.33.
Variant type: single nucleotide variant.
Coding change: c.1835C>T on transcript NM_199420.4 (MANE Select); coding-DNA position 1835, C replaced by T.
Protein change: p.Thr612Ile; replaces threonine 612 with isoleucine.
Molecular consequence: missense variant.
Genome position (GRCh38, 1-based): chr3:121,509,685, G>A on the plus strand (C>T on the coding strand, the complement: POLQ is on the minus strand). VCF-style: chr3-121509685-G-A. GRCh37 (hg19) VCF-style: chr3-121228532-G-A.
Other names: short protein forms T612I.
Identifiers: ClinVar variation 3308598 (VCV003308598.1).